The following is an entry in ClinVar:

ClinVar aggregate classification (germline): Uncertain significance (1 of 4 stars; one submission).

Conditions:
Hereditary spastic paraplegia 11. Also called: Spastic Paraplegia 11; Spastic paraplegia, mental retardation and thin corpus callosum; Nakamura Osame syndrome; Autosomal recessive hereditary spastic paraplegia, mental impairment, and thin corpus callosum; SPASTIC PARAPLEGIA, AUTOSOMAL RECESSIVE, COMPLICATED, WITH THIN CORPUS CALLOSUM; SPASTIC PARAPLEGIA, AUTOSOMAL RECESSIVE, WITH MENTAL IMPAIRMENT AND THIN CORPUS CALLOSUM. Identifiers: Orphanet 2822, MedGen C1858479, MONDO:0011445, OMIM 604360.

Submission:

Labcorp Genetics (formerly Invitae), Labcorp
Classification: Uncertain significance for Hereditary spastic paraplegia 11. Last evaluated: 2022-05-20. Review status: criteria provided, single submitter. Criteria: Invitae Variant Classification Sherloc (09022015). Collection method: clinical testing. Allele origin: germline.
Comment: In summary, the available evidence is currently insufficient to determine the role of this variant in disease. Therefore, it has been classified as a Variant of Uncertain Significance. Algorithms developed to predict the effect of missense changes on protein structure and function are either unavailable or do not agree on the potential impact of this missense change (SIFT: "Deleterious"; PolyPhen-2: "Possibly Damaging"; Align-GVGD: "Class C0"). This variant has not been reported in the literature in individuals affected with SPG11-related conditions. This variant is not present in population databases (gnomAD no frequency). This sequence change replaces leucine, which is neutral and non-polar, with proline, which is neutral and non-polar, at codon 114 of the SPG11 protein (p.Leu114Pro).

NM_025137.4(SPG11):c.341T>C (p.Leu114Pro)

Gene: SPG11 (SPG11 vesicle trafficking associated, spatacsin; minus strand). Cytogenetic location: 15q21.1.
Variant type: single nucleotide variant.
Coding change: c.341T>C on transcript NM_025137.4 (MANE Select); coding-DNA position 341, T replaced by C.
Protein change: p.Leu114Pro; replaces leucine 114 with proline.
Molecular consequence: missense variant.
Genome position (GRCh38, 1-based): chr15:44,660,533, A>G on the plus strand (T>C on the coding strand, the complement: SPG11 is on the minus strand). VCF-style: chr15-44660533-A-G. GRCh37 (hg19) VCF-style: chr15-44952731-A-G.
Other names: c.341T>C, p.Leu114Pro (NM_001160227.2, NM_001411132.1); short protein forms L114P.
Identifiers: ClinVar variation 2116966 (VCV002116966.4), dbSNP rs1451525057, ClinGen allele CA392238290.